The following is an entry in ClinVar:

ClinVar aggregate classification (germline): Uncertain significance. Review status: criteria provided, multiple submitters, no conflicts (2 of 4 stars). 2 submissions from 2 submitters: Uncertain significance (2). Last evaluated 2022-07-08.

Conditions:
Inborn genetic diseases. Identifiers: MedGen C0950123, MeSH D030342.

Allele frequency attached by ClinVar (database versions not stated): 1000 Genomes Project 0.00020; 1000 Genomes Project 30x 0.00031; TOPMed 0.00002; gnomAD exomes 0.00003 and 0.00004; gnomAD 0.00004 and 0.00005; ExAC 0.00006.

Submissions (3):

Labcorp Genetics (formerly Invitae), Labcorp
Classification: Uncertain significance. Last evaluated: 2022-07-08. Review status: criteria provided, single submitter. Criteria: Invitae Variant Classification Sherloc (09022015). Collection method: clinical testing. Allele origin: germline.
Comment: This sequence change replaces arginine, which is basic and polar, with glutamine, which is neutral and polar, at codon 541 of the GPAA1 protein (p.Arg541Gln). This variant also falls at the last nucleotide of exon 11, which is part of the consensus splice site for this exon. This variant is present in population databases (rs557855070, gnomAD 0.01%). This variant has not been reported in the literature in individuals affected with GPAA1-related conditions. ClinVar contains an entry for this variant (Variation ID: 1448455). Algorithms developed to predict the effect of missense changes on protein structure and function are either unavailable or do not agree on the potential impact of this missense change (SIFT: "Tolerated"; PolyPhen-2: "Probably Damaging"; Align-GVGD: "Class C0"). Variants that disrupt the consensus splice site are a relatively common cause of aberrant splicing (PMID: 17576681, 9536098). Algorithms developed to predict the effect of sequence changes on RNA splicing suggest that this variant may create or strengthen a splice site. In summary, the available evidence is currently insufficient to determine the role of this variant in disease. Therefore, it has been classified as a Variant of Uncertain Significance.

Ambry Genetics
Classification: Uncertain significance for Inborn genetic diseases. Last evaluated: 2021-12-15. Review status: criteria provided, single submitter. Criteria: Ambry Variant Classification Scheme 2023. Collection method: clinical testing. Allele origin: germline.
Comment: Occurs in the last base pair of the exon Based on insufficient or conflicting evidence, the clinical significance of this alteration remains unclear.

Dr. Peter K. Rogan Lab, Western University
No classification provided (evidence only). Condition: Thymoma. Review status: no classification provided. Collection method: in vitro. Allele origin: not applicable. Functional consequence: retained intron. Not counted in ClinVar's aggregate classification.

Literature cited by the submitters: PubMed 17576681 (cited by Labcorp Genetics (formerly Invitae), Labcorp); PubMed 9536098 (cited by Labcorp Genetics (formerly Invitae), Labcorp).

NM_003801.4(GPAA1):c.1622G>A (p.Arg541Gln)

Gene: GPAA1 (glycosylphosphatidylinositol anchor attachment 1; plus strand). Cytogenetic location: 8q24.3.
Variant type: single nucleotide variant.
Coding change: c.1622G>A on transcript NM_003801.4 (MANE Select); coding-DNA position 1622, G replaced by A.
Protein change: p.Arg541Gln; replaces arginine 541 with glutamine.
Molecular consequence: missense variant.
Genome position (GRCh38, 1-based): chr8:144,085,743, G>A. VCF-style: chr8-144085743-G-A. GRCh37 (hg19) VCF-style: chr8-145140646-G-A.
Other names: c.1622G>A (NM_003801.3); short protein forms R541Q.
Identifiers: ClinVar variation 1448455 (VCV001448455.7), dbSNP rs557855070, ClinGen allele CA4933209.